The following is an entry in ClinVar:

ClinVar aggregate classification (germline): Benign. Review status: criteria provided, multiple submitters, no conflicts (2 of 4 stars). 14 submissions from 14 submitters: Benign (14). Last evaluated 2026-02-04.

Conditions:
Familial thoracic aortic aneurysm and aortic dissection (TAAD). Also called: Thoracic aortic aneurysms and dissections. Identifiers: Orphanet 91387, MedGen C4707243, MONDO:0019625.
Aortic aneurysm, familial thoracic 4 (AAT4). Also called: AORTIC ANEURYSM/AORTIC DISSECTION AND PATENT DUCTUS ARTERIOSUS. Identifiers: MedGen C1851504, MONDO:0007568, OMIM 132900.

Allele frequency attached by ClinVar (database versions not stated): 1000 Genomes Project 30x 0.07527; 1000 Genomes Project 0.07528; ExAC 0.09912; gnomAD exomes 0.09938 and 0.10779; TOPMed 0.10092; gnomAD 0.10282 and 0.10480; ESP Exome Variant Server 0.10920.
gnomAD v4.1: 173,150 of 1,614,076 alleles (11%); highest among the groups gnomAD compares: Middle Eastern, 13%; 9,794 homozygotes.

Submissions (14):

Labcorp Genetics (formerly Invitae), Labcorp
Classification: Benign for Aortic aneurysm, familial thoracic 4. Last evaluated: 2026-02-04. Review status: criteria provided, single submitter. Criteria: Invitae Variant Classification Sherloc (09022015). Collection method: clinical testing. Allele origin: germline.

ARUP Laboratories, Molecular Genetics and Genomics, ARUP Laboratories
Classification: Benign. Last evaluated: 2025-07-29. Review status: criteria provided, single submitter. Criteria: ARUP Molecular Germline Variant Investigation Process 2024. Collection method: clinical testing. Allele origin: germline.

Molecular Diagnostic Laboratory for Inherited Cardiovascular Disease, Montreal Heart Institute
Classification: Benign. Last evaluated: 2025-04-09. Review status: criteria provided, single submitter. Criteria: ACMG Guidelines, 2015. Collection method: clinical testing. Allele origin: germline. Affected: no.

Blueprint Genetics
Classification: Benign. Last evaluated: 2024-11-27. Review status: criteria provided, single submitter. Criteria: ACMG Guidelines, 2015. Collection method: clinical testing. Allele origin: germline.

All of Us Research Program, National Institutes of Health
Classification: Benign for Familial thoracic aortic aneurysm and aortic dissection. Last evaluated: 2024-10-02. Review status: criteria provided, single submitter. Criteria: ACMG Guidelines, 2015. Collection method: clinical testing. Allele origin: germline. Inheritance: Autosomal dominant inheritance. Observed: 29,939 variant alleles, 28,087 heterozygotes, 1,846 homozygotes, 6 hemizygotes.
Comment: This study involves interpretation of variants in research participants for the purpose of population health screening. Participant phenotype was not available at the time of variant classification. Additional details can be found in publication PMID: 35346344, PMCID: PMC8962531

CHEO Genetics Diagnostic Laboratory, Children's Hospital of Eastern Ontario
Classification: Benign for Familial thoracic aortic aneurysm and aortic dissection. Last evaluated: 2019-04-08. Review status: criteria provided, single submitter. Criteria: ACMG Guidelines, 2015. Collection method: clinical testing. Allele origin: germline.

Color Diagnostics, LLC DBA Color Health
Classification: Benign for Familial thoracic aortic aneurysm and aortic dissection. Last evaluated: 2018-03-16. Review status: criteria provided, single submitter. Criteria: ACMG Guidelines, 2015. Collection method: clinical testing. Allele origin: germline.

Illumina Laboratory Services, Illumina
Classification: Benign for Aortic aneurysm, familial thoracic 4. Last evaluated: 2018-01-13. Review status: criteria provided, single submitter. Criteria: ICSL Variant Classification Criteria 13 December 2019. Collection method: clinical testing. Allele origin: germline.
Comment: This variant was observed in the ICSL laboratory as part of a predisposition screen in an ostensibly healthy population. It had not been previously curated by ICSL or reported in the Human Gene Mutation Database (HGMD: prior to June 1st, 2018), and was therefore a candidate for classification through an automated scoring system. Utilizing variant allele frequency, disease prevalence and penetrance estimates, and inheritance mode, an automated score was calculated to assess if this variant is too frequent to cause the disease. Based on the score and internal cut-off values, a variant classified as benign is not then subjected to further curation. The score for this variant resulted in a classification of benign for this disease.

Ambry Genetics
Classification: Benign for Familial thoracic aortic aneurysm and aortic dissection. Last evaluated: 2015-02-23. Review status: criteria provided, single submitter. Criteria: Ambry Variant Classification Scheme 2023. Collection method: clinical testing. Allele origin: germline.

Mayo Clinic Laboratories, Mayo Clinic
Classification: Benign. Last evaluated: 2014-04-02. Review status: criteria provided, single submitter. Criteria: ACMG Guidelines, 2015. Collection method: clinical testing. Allele origin: germline. Observed: 286 variant alleles.

Laboratory for Molecular Medicine, Mass General Brigham Personalized Medicine
Classification: Benign. Last evaluated: 2013-04-04. Review status: criteria provided, single submitter. Criteria: LMM Criteria. Collection method: clinical testing. Allele origin: germline. Observed: 9 variant alleles.
Comment: Val139Val in exon 3 of MYH11: This variant is not expected to have clinical sign ificance because it does not alter an amino acid residue and is not located with in the splice consensus sequence. It has been identified in 11.8% (1012/8600) of European American chromosomes from a broad population by the NHLBI Exome Sequen cing Project (dbSNP rs1050111).

GeneDx
Classification: Benign. Last evaluated: 2012-11-02. Review status: criteria provided, single submitter. Criteria: GeneDx Variant Classification (06012015). Collection method: clinical testing. Allele origin: germline. Affected: yes.
Comment: This variant is considered likely benign or benign based on one or more of the following criteria: it is a conservative change, it occurs at a poorly conserved position in the protein, it is predicted to be benign by multiple in silico algorithms, and/or has population frequency not consistent with disease.

Breakthrough Genomics
Classification: Benign. Review status: criteria provided, single submitter. Criteria: ACMG Guidelines, 2015. Collection method: not provided. Allele origin: germline. Inheritance: Autosomal recessive inheritance. Affected: yes.

PreventionGenetics, part of Exact Sciences
Classification: Benign. Review status: criteria provided, single submitter. Criteria: ACMG Guidelines, 2015. Collection method: clinical testing. Allele origin: germline.

NM_002474.3(MYH11):c.417C>T (p.Val139=)

Gene: MYH11 (myosin heavy chain 11; minus strand). Cytogenetic location: 16p13.11.
Variant type: single nucleotide variant.
Coding change: c.417C>T on transcript NM_002474.3 (MANE Select); coding-DNA position 417, C replaced by T.
Protein change: p.Val139=; no amino-acid change (valine 139 retained).
Molecular consequence: synonymous variant.
Genome position (GRCh38, 1-based): chr16:15,823,340, G>A on the plus strand (C>T on the coding strand, the complement: MYH11 is on the minus strand). VCF-style: chr16-15823340-G-A. GRCh37 (hg19) VCF-style: chr16-15917197-G-A.
Other names: p.V139V:GTC>GTT; p.Val139=; c.417C>T, p.Val139= (NM_001040113.2, NM_001040114.2, NM_022844.3).
Identifiers: ClinVar variation 138366 (VCV000138366.43), dbSNP rs1050111, ClinGen allele CA292354.
Genomic context (GRCh38, chr16:15,823,340, plus strand): 5'-GTCTGCGATGGCGTAGATGTGAGGCGGCATCTCGTGCCTCTTCTTGCCCTTGTACATGTC[G>A]ACGATCTTCTCCGAGTAGATGGGCAGGTGTTTATAGGGGTTGACCACCACGCAGAAGAGG-3'
Protein context (NP_002465.1, residues 129-149): KHLPIYSEKI[Val139=]DMYKGKKRHE